The following is an entry in ClinVar:

ClinVar aggregate classification (germline): Uncertain significance. Review status: criteria provided, multiple submitters, no conflicts (2 of 4 stars). 2 submissions from 2 submitters: Uncertain significance (2). Last evaluated 2022-12-08.

Conditions:
Hereditary cancer-predisposing syndrome. Also called: Hereditary Cancer Syndrome; Hereditary neoplastic syndrome; Neoplastic Syndromes, Hereditary; Tumor predisposition. Identifiers: Orphanet 140162, MedGen C0027672, MeSH D009386, MONDO:0015356.
Rhabdoid tumor predisposition syndrome 2 (RTPS2). Identifiers: Orphanet 231108, Orphanet 69077, MedGen C2750074, MONDO:0013224, OMIM 613325.

Allele frequency attached by ClinVar (database versions not stated): gnomAD exomes below 0.00001.
gnomAD v4.1: 2 of 1,605,114 alleles (0.00012%); highest among the groups gnomAD compares: Non-Finnish European, 0.000085%; no homozygotes.

Submissions (2):

Ambry Genetics
Classification: Uncertain significance for Hereditary cancer-predisposing syndrome. Last evaluated: 2022-12-08. Review status: criteria provided, single submitter. Criteria: Ambry Variant Classification Scheme 2023. Collection method: clinical testing. Allele origin: germline.
Comment: The p.K282N variant (also known as c.846G>T), located in coding exon 4 of the SMARCA4 gene, results from a G to T substitution at nucleotide position 846. The lysine at codon 282 is replaced by asparagine, an amino acid with similar properties. This amino acid position is highly conserved in available vertebrate species. In addition, this alteration is predicted to be tolerated by in silico analysis. Missense and in-frame variants in SMARCA4 are known to cause neurodevelopmental disorders; however, such associations with rhabdoid tumor predisposition syndrome including small cell carcinoma of the ovary-hypercalcemic type (SCCOHT) are exceedingly rare (Kosho T et al. Am J Med Genet C Semin Med Genet. 2014 Sep;166C(3):262-75; Jelinic P et al. Nat Genet. 2014 May;46(5):424-6). Based on the supporting evidence, the association of this alteration with Coffin-Siris syndrome is unknown; however, the association of this alteration with rhabdoid tumor predisposition syndrome is unlikely.

Labcorp Genetics (formerly Invitae), Labcorp
Classification: Uncertain significance for Rhabdoid tumor predisposition syndrome 2. Last evaluated: 2022-01-28. Review status: criteria provided, single submitter. Criteria: Invitae Variant Classification Sherloc (09022015). Collection method: clinical testing. Allele origin: germline.
Comment: In summary, the available evidence is currently insufficient to determine the role of this variant in disease. Therefore, it has been classified as a Variant of Uncertain Significance. Algorithms developed to predict the effect of missense changes on protein structure and function (SIFT, PolyPhen-2, Align-GVGD) all suggest that this variant is likely to be disruptive. This variant has not been reported in the literature in individuals affected with SMARCA4-related conditions. The frequency data for this variant in the population databases is considered unreliable, as metrics indicate poor data quality at this position in the gnomAD database. This sequence change replaces lysine, which is basic and polar, with asparagine, which is neutral and polar, at codon 282 of the SMARCA4 protein (p.Lys282Asn).

NM_003072.5(SMARCA4):c.846G>T (p.Lys282Asn)

Gene: SMARCA4 (SWI/SNF related BAF chromatin remodeling complex subunit ATPase 4; plus strand). Cytogenetic location: 19p13.2.
Variant type: single nucleotide variant.
Coding change: c.846G>T on transcript NM_003072.5 (MANE Select); coding-DNA position 846, G replaced by T.
Protein change: p.Lys282Asn; replaces lysine 282 with asparagine.
Molecular consequence: missense variant. On other transcripts: non-coding transcript variant (1).
Genome position (GRCh38, 1-based): chr19:10,986,990, G>T. VCF-style: chr19-10986990-G-T. GRCh37 (hg19) VCF-style: chr19-11097666-G-T.
Other names: c.846G>T, p.Lys282Asn (NM_001128844.3, NM_001128845.2, NM_001128846.2 and 5 more transcripts); short protein forms K282N.
Identifiers: ClinVar variation 1450054 (VCV001450054.8), dbSNP rs1263337559, ClinGen allele CA404058143.